The following is an entry in ClinVar:

NM_144573.4(NEXN):c.2012T>A (p.Ile671Asn)

Gene: NEXN (nexilin F-actin binding protein; plus strand). Cytogenetic location: 1p31.1.
Variant type: single nucleotide variant.
Coding change: c.2012T>A on transcript NM_144573.4 (MANE Select); coding-DNA position 2012, T replaced by A.
Protein change: p.Ile671Asn; replaces isoleucine 671 with asparagine.
Molecular consequence: missense variant.
Genome position (GRCh38, 1-based): chr1:77,942,813, T>A. VCF-style: chr1-77942813-T-A. GRCh37 (hg19) VCF-style: chr1-78408498-T-A.
Other names: c.1820T>A, p.Ile607Asn (NM_001172309.2); short protein forms I607N, I671N.
Identifiers: ClinVar variation 3229175 (VCV003229175.2), dbSNP rs747781785, ClinGen allele CA340883755.

ClinVar aggregate classification (germline): Uncertain significance (1 of 4 stars; one submission).

Conditions:
Cardiovascular phenotype. Identifiers: MedGen CN230736.

Submission:

Ambry Genetics
Classification: Uncertain significance for Cardiovascular phenotype. Last evaluated: 2025-09-05. Review status: criteria provided, single submitter. Criteria: Ambry Variant Classification Scheme 2023. Collection method: clinical testing. Allele origin: germline.
Comment: The p.I671N variant (also known as c.2012T>A), located in coding exon 12 of the NEXN gene, results from a T to A substitution at nucleotide position 2012. The isoleucine at codon 671 is replaced by asparagine, an amino acid with dissimilar properties. This variant was reported in an individual referred for dilated cardiomyopathy (Janin A et al. Mol Diagn Ther, 2021 May;25:373-385). This amino acid position is highly conserved in available vertebrate species. In addition, this alteration is predicted to be deleterious by in silico analysis. Based on the available evidence, the clinical significance of this variant remains unclear.

Literature cited by the submitters: PubMed 33954932.